The following is an entry in ClinVar:

NM_032520.5(GNPTG):c.641A>G (p.Glu214Gly)

Gene: GNPTG (N-acetylglucosamine-1-phosphate transferase subunit gamma; plus strand). Cytogenetic location: 16p13.3.
Variant type: single nucleotide variant.
Coding change: c.641A>G on transcript NM_032520.5 (MANE Select); coding-DNA position 641, A replaced by G.
Protein change: p.Glu214Gly; replaces glutamic acid 214 with glycine.
Molecular consequence: missense variant.
Genome position (GRCh38, 1-based): chr16:1,362,642, A>G. VCF-style: chr16-1362642-A-G. GRCh37 (hg19) VCF-style: chr16-1412643-A-G.
Other names: short protein forms E214G.
Identifiers: ClinVar variation 1014868 (VCV001014868.6), dbSNP rs768377103, ClinGen allele CA7807862.
Genomic context (GRCh38, chr16:1,362,642, plus strand): 5'-GGTGCTGCCCCTGCATCCTCCACCTTCAGGGCCATGAGAAGTTGCTGAGGACACTTTTTG[A>G]GGATGCTGGCTACTTAAAGACCCCAGAAGAAAATGAACCCACCCAGCTGGAGGGAGGTCC-3'
Protein context (NP_115909.1, residues 204-224): GHEKLLRTLF[Glu214Gly]DAGYLKTPEE

ClinVar aggregate classification (germline): Uncertain significance (1 of 4 stars; one submission).

Allele frequency attached by ClinVar (database versions not stated): gnomAD exomes below 0.00001; ExAC 0.00001; gnomAD 0.00002; TOPMed 0.00002.

Submission:

Labcorp Genetics (formerly Invitae), Labcorp
Classification: Uncertain significance. Last evaluated: 2021-09-01. Review status: criteria provided, single submitter. Criteria: Invitae Variant Classification Sherloc (09022015). Collection method: clinical testing. Allele origin: germline.
Comment: This sequence change replaces glutamic acid with glycine at codon 214 of the GNPTG protein (p.Glu214Gly). The glutamic acid residue is highly conserved and there is a moderate physicochemical difference between glutamic acid and glycine. This variant is present in population databases (rs768377103, ExAC 0.01%). This variant has not been reported in the literature in individuals affected with GNPTG-related conditions. Algorithms developed to predict the effect of missense changes on protein structure and function are either unavailable or do not agree on the potential impact of this missense change (SIFT: "Deleterious"; PolyPhen-2: "Possibly Damaging"; Align-GVGD: "Class C0"). In summary, the available evidence is currently insufficient to determine the role of this variant in disease. Therefore, it has been classified as a Variant of Uncertain Significance.